The following is an entry in ClinVar:

ClinVar aggregate classification (germline): Uncertain significance (1 of 4 stars; one submission).

Conditions:
POLD1-related polyposis and colorectal cancer syndrome (CRCS10). Also called: Colorectal cancer 10; COLORECTAL CANCER, SUSCEPTIBILITY TO, ON CHROMOSOME 19q; Colorectal cancer, susceptibility to, 10. Identifiers: Orphanet 220460, MedGen C2675481, MONDO:0012953, OMIM 612591.

Submission:

Labcorp Genetics (formerly Invitae), Labcorp
Classification: Uncertain significance for POLD1-related polyposis and colorectal cancer syndrome. Last evaluated: 2018-03-15. Review status: criteria provided, single submitter. Criteria: Invitae Variant Classification Sherloc (09022015). Collection method: clinical testing. Allele origin: germline.
Comment: This variant is a gross deletion of the genomic region encompassing exons 2-10 of the POLD1 gene, which includes the initiator codon. The 5' end of this event is unknown as it extends beyond the assayed region for this gene and therefore may encompass additional genes. The 3' boundary is likely confined to intron 10 of the POLD1 gene. This is expected to result in an absent or disrupted protein product. Gross deletions have not been reported in the literature in individuals with POLD1-related disease. Missense variants that disrupt the 3'-5' exonuclease (proof-reading) activity of the POLD1/POLE protein, while not abolishing its polymerase enzyme activity, are associated with an increased risk for colonic adenomatous polyps and colon cancer (PMID: 23263490, 23447401). Loss-of-function truncating variants, which result in an absent or severely disrupted POLD1/POLE protein, are therefore unlikely to be associated with disease. Without further clinical and genetic evidence, however, this variant has been classified as a Variant of Uncertain Significance.

Literature cited by the submitters: PubMed 23263490; PubMed 23447401.

NC_000019.10:g.(?_50398846)_(50403603_?)del

Gene: POLD1 (DNA polymerase delta 1, catalytic subunit; plus strand). Cytogenetic location: 19q13.33.
Variant type: Deletion.
Identifiers: ClinVar variation 583863 (VCV000583863.8).